The following is an entry in ClinVar:

ClinVar aggregate classification (germline): Uncertain significance. Review status: criteria provided, multiple submitters, no conflicts (2 of 4 stars). 4 submissions from 4 submitters: Uncertain significance (4). Last evaluated 2025-11-17.

Conditions:
Hereditary cancer-predisposing syndrome. Also called: Hereditary neoplastic syndrome; Tumor predisposition; Neoplastic Syndromes, Hereditary; Hereditary Cancer Syndrome. Identifiers: Orphanet 140162, MedGen C0027672, MeSH D009386, MONDO:0015356.
Juvenile polyposis syndrome (JPS). Identifiers: Orphanet 2929, MedGen C0345893, MONDO:0017380, OMIM 174900.

Allele frequency attached by ClinVar (database versions not stated): gnomAD exomes below 0.00001.
gnomAD v4.1: 1 of 1,609,056 alleles (0.000062%); highest among the groups gnomAD compares: African/African-American, 0.0013%; no homozygotes.

Submissions (4):

Labcorp Genetics (formerly Invitae), Labcorp
Classification: Uncertain significance for Juvenile polyposis syndrome. Last evaluated: 2025-11-17. Review status: criteria provided, single submitter. Criteria: Invitae Variant Classification Sherloc (09022015). Collection method: clinical testing. Allele origin: germline.
Comment: This sequence change replaces glutamine, which is neutral and polar, with histidine, which is basic and polar, at codon 3 of the BMPR1A protein (p.Gln3His). This variant is not present in population databases (gnomAD no frequency). This variant has not been reported in the literature in individuals affected with BMPR1A-related conditions. ClinVar contains an entry for this variant (Variation ID: 957917). Invitae Evidence Modeling of protein sequence and biophysical properties (such as structural, functional, and spatial information, amino acid conservation, physicochemical variation, residue mobility, and thermodynamic stability) indicates that this missense variant is not expected to disrupt BMPR1A protein function with a negative predictive value of 95%. In summary, the available evidence is currently insufficient to determine the role of this variant in disease. Therefore, it has been classified as a Variant of Uncertain Significance.

Color Diagnostics, LLC DBA Color Health
Classification: Uncertain significance for Hereditary cancer-predisposing syndrome. Last evaluated: 2024-03-06. Review status: criteria provided, single submitter. Criteria: ACMG Guidelines, 2015. Collection method: clinical testing. Allele origin: germline.
Comment: This missense variant replaces glutamine with histidine at codon 3 of the BMPR1A protein. Computational prediction suggests that this variant may not impact protein structure and function (internally defined REVEL score threshold <= 0.5, PMID: 27666373). To our knowledge, functional studies have not been reported for this variant. This variant has not been reported in individuals affected with hereditary cancer in the literature. This variant has not been identified in the general population by the Genome Aggregation Database (gnomAD). The available evidence is insufficient to determine the role of this variant in disease conclusively. Therefore, this variant is classified as a Variant of Uncertain Significance.

Ambry Genetics
Classification: Uncertain significance for Hereditary cancer-predisposing syndrome. Last evaluated: 2024-01-17. Review status: criteria provided, single submitter. Criteria: Ambry Variant Classification Scheme 2023. Collection method: clinical testing. Allele origin: germline.
Comment: The p.Q3H variant (also known as c.9G>C), located in coding exon 1 of the BMPR1A gene, results from a G to C substitution at nucleotide position 9. The glutamine at codon 3 is replaced by histidine, an amino acid with highly similar properties. This amino acid position is not well conserved in available vertebrate species. In addition, this alteration is predicted to be tolerated by in silico analysis. Since supporting evidence is limited at this time, the clinical significance of this alteration remains unclear.

GeneDx
Classification: Uncertain significance. Last evaluated: 2019-08-07. Review status: criteria provided, single submitter. Criteria: GeneDx Variant Classification Process June 2021. Collection method: clinical testing. Allele origin: germline. Affected: yes.
Comment: Not observed in large population cohorts (Lek 2016); In silico analysis, which includes protein predictors and evolutionary conservation, supports that this variant does not alter protein structure/function; Has not been previously published as pathogenic or benign to our knowledge

NM_004329.3(BMPR1A):c.9G>C (p.Gln3His)

Gene: BMPR1A (bone morphogenetic protein receptor type 1A; plus strand). Cytogenetic location: 10q23.2.
Variant type: single nucleotide variant.
Coding change: c.9G>C on transcript NM_004329.3 (MANE Select); coding-DNA position 9, G replaced by C.
Protein change: p.Gln3His; replaces glutamine 3 with histidine.
Molecular consequence: missense variant.
Genome position (GRCh38, 1-based): chr10:86,876,027, G>C. VCF-style: chr10-86876027-G-C. GRCh37 (hg19) VCF-style: chr10-88635784-G-C.
Other names: short protein forms Q3H.
Identifiers: ClinVar variation 957917 (VCV000957917.15), dbSNP rs1589757057, ClinGen allele CA377774755.